The following is an entry in ClinVar:

NM_020320.5(RARS2):c.1347G>C (p.Trp449Cys)

Gene: RARS2 (arginyl-tRNA synthetase 2, mitochondrial; minus strand). Cytogenetic location: 6q15.
Variant type: single nucleotide variant.
Coding change: c.1347G>C on transcript NM_020320.5 (MANE Select); coding-DNA position 1347, G replaced by C.
Protein change: p.Trp449Cys; replaces tryptophan 449 with cysteine.
Molecular consequence: missense variant. On other transcripts: non-coding transcript variant (23).
Genome position (GRCh38, 1-based): chr6:87,518,698, C>G on the plus strand (G>C on the coding strand, the complement: RARS2 is on the minus strand). VCF-style: chr6-87518698-C-G. GRCh37 (hg19) VCF-style: chr6-88228416-C-G.
Other names: c.822G>C, p.Trp274Cys (NM_001318785.2, NM_001350506.2, NM_001350507.2 and 4 more transcripts); c.1347G>C, p.Trp449Cys (NM_001350505.2); short protein forms W274C, W449C.
Identifiers: ClinVar variation 2095264 (VCV002095264.4), dbSNP rs774339242, ClinGen allele CA3916312.

ClinVar aggregate classification (germline): Uncertain significance (1 of 4 stars; one submission).

Allele frequency attached by ClinVar (database versions not stated): TOPMed below 0.00001; gnomAD 0.00001; gnomAD exomes 0.00001; ExAC 0.00002.
gnomAD v4.1: 6 of 1,613,952 alleles (0.00037%); highest among the groups gnomAD compares: Non-Finnish European, 0.00051%; no homozygotes.

Submission:

Labcorp Genetics (formerly Invitae), Labcorp
Classification: Uncertain significance. Last evaluated: 2022-02-20. Review status: criteria provided, single submitter. Criteria: Invitae Variant Classification Sherloc (09022015). Collection method: clinical testing. Allele origin: germline.
Comment: This variant has not been reported in the literature in individuals affected with RARS2-related conditions. In summary, the available evidence is currently insufficient to determine the role of this variant in disease. Therefore, it has been classified as a Variant of Uncertain Significance. Advanced modeling of protein sequence and biophysical properties (such as structural, functional, and spatial information, amino acid conservation, physicochemical variation, residue mobility, and thermodynamic stability) performed at Invitae indicates that this missense variant is expected to disrupt RARS2 protein function. This variant is present in population databases (rs774339242, gnomAD 0.003%). This sequence change replaces tryptophan, which is neutral and slightly polar, with cysteine, which is neutral and slightly polar, at codon 449 of the RARS2 protein (p.Trp449Cys).